The following is an entry in ClinVar:

NM_000834.5(GRIN2B):c.1500+7G>A

Gene: GRIN2B (glutamate ionotropic receptor NMDA type subunit 2B; minus strand). Cytogenetic location: 12p13.1.
Variant type: single nucleotide variant.
Coding change: c.1500+7G>A on transcript NM_000834.5 (MANE Select); 7 bases into the intron after coding-DNA position 1500, G replaced by A.
Molecular consequence: intron variant.
Genome position (GRCh38, 1-based): chr12:13,615,486, C>T on the plus strand (G>A on the coding strand, the complement: GRIN2B is on the minus strand). VCF-style: chr12-13615486-C-T. GRCh37 (hg19) VCF-style: chr12-13768420-C-T.
Identifiers: ClinVar variation 435383 (VCV000435383.38), dbSNP rs201094275, ClinGen allele CA6461245.
Genomic context (GRCh38, chr12:13,615,486, plus strand): 5'-AAACTTATATTTAGAAGAAGGAAAATAAATGAAAATGGAAATGGAAACAGCCCTTGTGGA[C>T]ACTCACCTCTCCAATCATACCATTCCAGGTTCCATTGATTTTCTTCCCATGCTTGCCATT-3'

ClinVar aggregate classification (germline): Likely benign. Review status: criteria provided, multiple submitters, no conflicts (2 of 4 stars). 4 submissions from 4 submitters: Likely benign (4). Last evaluated 2025-08-09.

Conditions:
Intellectual developmental disorder, autosomal dominant 6, with or without seizures. Also called: GRIN2B-related developmental delay, intellectual disability and autism spectrum disorder; Intellectual disability, autosomal dominant 6. Identifiers: Orphanet 589547, MedGen C3151411, MONDO:0013509, OMIM 613970.
Developmental and epileptic encephalopathy, 27 (DEE27). Also called: Epileptic encephalopathy, early infantile, 27; GRIN2B-Related Neurodevelopmental Disorder. Identifiers: Orphanet 3451, MedGen C4015316, MONDO:0014505, OMIM 616139.

Allele frequency attached by ClinVar (database versions not stated): gnomAD exomes 0.00006 and 0.00004; ExAC 0.00005; ESP Exome Variant Server 0.00008; gnomAD 0.00005; TOPMed 0.00011.
gnomAD v4.1: 61 of 1,608,796 alleles (0.0038%); highest among the groups gnomAD compares: South Asian, 0.024%; 1 homozygote.

Submissions (4):

Labcorp Genetics (formerly Invitae), Labcorp
Classification: Likely benign for Developmental and epileptic encephalopathy, 27; Intellectual developmental disorder, autosomal dominant 6, with or without seizures. Last evaluated: 2025-08-09. Review status: criteria provided, single submitter. Criteria: Invitae Variant Classification Sherloc (09022015). Collection method: clinical testing. Allele origin: germline.

CeGaT Center for Human Genetics Tuebingen
Classification: Likely benign. Last evaluated: 2023-11-01. Review status: criteria provided, single submitter. Criteria: CeGaT Center For Human Genetics Tuebingen Variant Classification Criteria Version 2. Collection method: clinical testing. Allele origin: germline. Affected: yes. Observed: 1 variant allele.
Comment: GRIN2B: BP4, BS1

Genetic Services Laboratory, University of Chicago
Classification: Likely benign. Last evaluated: 2017-11-16. Review status: criteria provided, single submitter. Criteria: ACMG Guidelines, 2015. Collection method: clinical testing. Allele origin: germline. Affected: no.

GeneDx
Classification: Likely benign. Last evaluated: 2017-07-11. Review status: criteria provided, single submitter. Criteria: GeneDx Variant Classification (06012015). Collection method: clinical testing. Allele origin: germline. Affected: yes.
Comment: This variant is considered likely benign or benign based on one or more of the following criteria: it is a conservative change, it occurs at a poorly conserved position in the protein, it is predicted to be benign by multiple in silico algorithms, and/or has population frequency not consistent with disease.